The following is an entry in ClinVar:

NM_014633.5(CTR9):c.811G>A (p.Val271Ile)

Gene: CTR9 (CTR9 homolog, Paf1/RNA polymerase II complex component; plus strand). Cytogenetic location: 11p15.4.
Variant type: single nucleotide variant.
Coding change: c.811G>A on transcript NM_014633.5 (MANE Select); coding-DNA position 811, G replaced by A.
Protein change: p.Val271Ile; replaces valine 271 with isoleucine.
Molecular consequence: missense variant.
Genome position (GRCh38, 1-based): chr11:10,762,016, G>A. VCF-style: chr11-10762016-G-A. GRCh37 (hg19) VCF-style: chr11-10783563-G-A.
Other names: c.811G>A, p.Val271Ile (NM_001346279.2); short protein forms V271I.
Identifiers: ClinVar variation 3390685 (VCV003390685.1).

ClinVar aggregate classification (germline): Uncertain significance (1 of 4 stars; one submission).

Submission:

GeneDx
Classification: Uncertain significance. Last evaluated: 2024-06-07. Review status: criteria provided, single submitter. Criteria: GeneDx Variant Classification Process June 2021. Collection method: clinical testing. Allele origin: germline. Affected: yes.
Comment: Not observed at significant frequency in large population cohorts (gnomAD); In silico analysis indicates that this missense variant does not alter protein structure/function; Has not been previously published as pathogenic or benign to our knowledge